The following is an entry in ClinVar:

ClinVar aggregate classification (germline): Uncertain significance (1 of 4 stars; one submission).

Allele frequency attached by ClinVar (database versions not stated): TOPMed 0.00004; gnomAD 0.00003; gnomAD exomes below 0.00001; ExAC 0.00001.
gnomAD v4.1: 4 of 1,614,114 alleles (0.00025%); highest among the groups gnomAD compares: African/African-American, 0.0053%; no homozygotes.

Submission:

GeneDx
Classification: Uncertain significance. Last evaluated: 2020-01-27. Review status: criteria provided, single submitter. Criteria: GeneDx Variant Classification Process June 2021. Collection method: clinical testing. Allele origin: germline. Affected: yes.
Comment: Not observed at a significant frequency in large population cohorts (Lek et al., 2016); Missense variants in this gene are often considered pathogenic (Stenson et al., 2014); In silico analysis, which includes protein predictors and evolutionary conservation, supports that this variant does not alter protein structure/function; Has not been previously published as pathogenic or benign to our knowledge

NM_000159.4(GCDH):c.110A>G (p.Gln37Arg)

Genes: GCDH (glutaryl-CoA dehydrogenase; plus strand), LOC117125594 (CRISPRi-FlowFISH-validated KLF1 regulatory element; plus strand). Cytogenetic location: 19p13.13.
Variant type: single nucleotide variant.
Coding change: c.110A>G on transcript NM_000159.4 (MANE Select); coding-DNA position 110, A replaced by G.
Protein change: p.Gln37Arg; replaces glutamine 37 with arginine.
Molecular consequence: missense variant. On other transcripts: non-coding transcript variant (2).
Genome position (GRCh38, 1-based): chr19:12,891,505, A>G. VCF-style: chr19-12891505-A-G. GRCh37 (hg19) VCF-style: chr19-13002319-A-G.
Other names: c.110A>G, p.Gln37Arg (NM_013976.5); short protein forms Q37R.
Identifiers: ClinVar variation 1313580 (VCV001313580.2), dbSNP rs759599442, ClinGen allele CA9234207.
Genomic context (GRCh38, chr19:12,891,505, plus strand): 5'-TTAGGGACTTTCCGGGGTGACTTTCCCGTTCTGTGCTTGCAGAGAAAGGCGGGAGAACAC[A>G]GAGCCAACTGGCTAAGTGTAAGGACCTCTGGTCGCACCGTGTGTCTGCTGCCCCTGTTCA-3'
Protein context (NP_000150.1, residues 27-47): AAQTEKGGRT[Gln37Arg]SQLAKSSRPE